The following is an entry in ClinVar:

ClinVar aggregate classification (germline): Uncertain significance (1 of 4 stars; one submission).

Submission:

GeneDx
Classification: Uncertain significance. Last evaluated: 2024-11-21. Review status: criteria provided, single submitter. Criteria: GeneDx Variant Classification Process June 2021. Collection method: clinical testing. Allele origin: germline. Affected: yes.
Comment: Located in a region that tolerates variation and lacks pathogenic variants; Located in a regulatory region; in the absence of functional studies, the actual effect of this sequence change is unknown; Has not been previously published as pathogenic or benign to our knowledge

NM_007289.4(MME):c.-2T>C

Gene: MME (membrane metalloendopeptidase; plus strand). Cytogenetic location: 3q25.2.
Variant type: single nucleotide variant.
Coding change: c.-2T>C on transcript NM_007289.4 (MANE Select); 2 bases upstream of the start codon, T replaced by C.
Molecular consequence: 5 prime UTR variant.
Genome position (GRCh38, 1-based): chr3:155,084,166, T>C. VCF-style: chr3-155084166-T-C. GRCh37 (hg19) VCF-style: chr3-154801955-T-C.
Other names: c.-2T>C (NM_000902.5, NM_001354642.2, NM_001354643.1 and 3 more transcripts).
Identifiers: ClinVar variation 3900575 (VCV003900575.1).